The following is an entry in ClinVar:

ClinVar aggregate classification (germline): Conflicting classifications of pathogenicity. Review status: criteria provided, conflicting classifications (1 of 4 stars). 2 submissions from 2 submitters: Likely pathogenic (1); Uncertain significance (1). Last evaluated 2024-11-25.

Conditions:
Developmental and epileptic encephalopathy, 39 (DEE39). Also called: DEVELOPMENTAL AND EPILEPTIC ENCEPHALOPATHY 39 WITH LEUKODYSTROPHY. Identifiers: Orphanet 353217, MedGen C2751855, MONDO:0013056, OMIM 612949.
Developmental and epileptic encephalopathy, 1 (DEE1). Also called: X-linked infantile spasms; West's syndrome; Tonic spasms with clustering, arrest of psychomotor development and hypsarrhythmia on EEG; X-Linked Infantile Spasm Syndrome; OHTAHARA SYNDROME, X-LINKED; INFANTILE SPASM SYNDROME, X-LINKED 1. Identifiers: MedGen C3463992, MONDO:0010632, OMIM 308350. Disease mechanism: loss of function.

Submissions (2):

3billion
Classification: Uncertain significance for Developmental and epileptic encephalopathy, 39. Last evaluated: 2024-11-25. Review status: criteria provided, single submitter. Criteria: ACMG Guidelines, 2015. Collection method: clinical testing. Allele origin: germline. Affected: yes.
Comment: The variant is not observed in the gnomAD v4.1.0 dataset. Predicted Consequence/Location: Missense variant In silico tool predictions suggest damaging effect of the variant on gene or gene product [REVEL: 0.83 (>=0.6, sensitivity 0.68 and specificity 0.92)]. The same nucleotide change resulting in the same amino acid change has been previously reported to be associated with SLC25A12 related disorder (ClinVar ID: VCV001700200). However, the evidence of pathogenicity is insufficient at this time. Therefore, this variant is classified as VUS according to the recommendation of ACMG/AMP guideline.

Centre de Biologie Pathologie Génétique, Centre Hospitalier Universitaire de Lille
Classification: Likely pathogenic for Developmental and epileptic encephalopathy, 1. Review status: criteria provided, single submitter. Criteria: ACMG Guidelines, 2015. Collection method: clinical testing. Allele origin: biparental. Affected: yes.

NM_003705.5(SLC25A12):c.1490T>A (p.Ile497Asn)

Gene: SLC25A12 (solute carrier family 25 member 12; minus strand). Cytogenetic location: 2q31.1.
Variant type: single nucleotide variant.
Coding change: c.1490T>A on transcript NM_003705.5 (MANE Select); coding-DNA position 1490, T replaced by A.
Protein change: p.Ile497Asn; replaces isoleucine 497 with asparagine.
Molecular consequence: missense variant. On other transcripts: non-coding transcript variant (1).
Genome position (GRCh38, 1-based): chr2:171,791,546, A>T on the plus strand (T>A on the coding strand, the complement: SLC25A12 is on the minus strand). VCF-style: chr2-171791546-A-T. GRCh37 (hg19) VCF-style: chr2-172648056-A-T.
Other names: short protein forms I497N.
Identifiers: ClinVar variation 1700200 (VCV001700200.2), dbSNP rs2105837590, ClinGen allele CA349288853.